The following is an entry in ClinVar:

NM_001042492.3(NF1):c.7189+3A>C

Gene: NF1 (neurofibromin 1; plus strand). Cytogenetic location: 17q11.2.
Variant type: single nucleotide variant.
Coding change: c.7189+3A>C on transcript NM_001042492.3 (MANE Select); 3 bases into the intron after coding-DNA position 7189, A replaced by C.
Molecular consequence: intron variant.
Genome position (GRCh38, 1-based): chr17:31,343,138, A>C. VCF-style: chr17-31343138-A-C. GRCh37 (hg19) VCF-style: chr17-29670156-A-C.
Other names: IVS39DS, A-C, +3; c.7126+3A>C (NM_000267.4).
Identifiers: ClinVar variation 369 (VCV000000369.3), dbSNP rs267606610, ClinGen allele CA212556.

ClinVar aggregate classification (germline): Pathogenic/Likely pathogenic. Review status: criteria provided, multiple submitters, no conflicts (2 of 4 stars). 3 submissions from 3 submitters: Pathogenic (1); Likely pathogenic (1). 1 of the submissions does not count toward it. Last evaluated 2024-12-16.

Conditions:
Cardiovascular phenotype. Identifiers: MedGen CN230736.
Hereditary cancer-predisposing syndrome. Also called: Tumor predisposition; Hereditary Cancer Syndrome; Neoplastic Syndromes, Hereditary; Hereditary neoplastic syndrome. Identifiers: Orphanet 140162, MedGen C0027672, MeSH D009386, MONDO:0015356.
Café-au-lait macules with pulmonary stenosis (WTSN). Also called: PULMONIC STENOSIS WITH CAFE-AU-LAIT SPOTS. Identifiers: MedGen C0553586, MONDO:0008672, OMIM 193520.
Neurofibromatosis-Noonan syndrome (NFNS). Also called: NEUROFIBROMATOSIS WITH NOONAN PHENOTYPE. Identifiers: Orphanet 638, MedGen C2931482, MONDO:0011035, OMIM 601321. Disease mechanism: loss of function.
Neurofibromatosis, type 1 (NF1). Also called: NEUROFIBROMATOSIS, TYPE I, SOMATIC; Neurofibromatosis, type I; VON RECKLINGHAUSEN DISEASE; Peripheral type neurofibromatosis. Identifiers: Orphanet 636, MedGen C0027831, MONDO:0018975, OMIM 162200. Disease mechanism: loss of function.
Neurofibromatosis, familial spinal (FSNF). Identifiers: Orphanet 636, MedGen C1834235, MONDO:0008078, OMIM 162210. Disease mechanism: loss of function.
Juvenile myelomonocytic leukemia (JMML). Also called: LEUKEMIA, JUVENILE MYELOMONOCYTIC, SOMATIC. Identifiers: Orphanet 86834, MedGen C0349639, MONDO:0011908, OMIM 607785, HP:0012209.

Submissions (3):

Ambry Genetics
Classification: Likely pathogenic for Cardiovascular phenotype; Hereditary cancer-predisposing syndrome. Last evaluated: 2024-12-16. Review status: criteria provided, single submitter. Criteria: Ambry Variant Classification Scheme 2023. Collection method: clinical testing. Allele origin: germline.
Comment: The c.7126+3A>C intronic variant results from an A to C substitution 3 nucleotides after coding exon 47 in the NF1 gene. This nucleotide position is well conserved in available vertebrate species. This variant was identified in one or more individuals with features consistent with Neurofibromatosis type 1 (Messiaen L. et al. J Med Genet 2003 Feb;40(2):122-6; Ambry internal data) and segregated with disease in at least one family (Messiaen L. et al. J Med Genet 2003 Feb;40(2):122-6). In silico splice site analysis predicts that this alteration will weaken the native splice donor site. RNA studies have demonstrated that this alteration results in abnormal splicing in the set of samples tested (Ambry internal data). This variant is considered to be rare based on population cohorts in the Genome Aggregation Database (gnomAD). Based on the majority of available evidence to date, this variant is likely to be pathogenic.

Juno Genomics, Hangzhou Juno Genomics, Inc
Classification: Pathogenic for Café-au-lait macules with pulmonary stenosis; Neurofibromatosis, type 1; Juvenile myelomonocytic leukemia; Neurofibromatosis, familial spinal; Neurofibromatosis-Noonan syndrome. Review status: criteria provided, single submitter. Criteria: ACMG Guidelines, 2015. Collection method: clinical testing. Allele origin: germline. Affected: yes.
Comment: Absent from controls (or at extremely low frequency if recessive) in Genome Aggregation Database.;Null variant in a gene where loss of function (LOF) is a known mechanism of disease.;The prevalence of the variant in affected individuals is significantly increased compared to the prevalence in controls.;Co-segregation with disease in multiple affected family members.;Patient's phenotype or family history is highly specific for a disease with a single genetic etiology.

OMIM
Classification: Pathogenic for NEUROFIBROMATOSIS, FAMILIAL SPINAL. Last evaluated: 2000-01-01. Review status: no assertion criteria provided. Collection method: literature only. Allele origin: germline. Not counted in ClinVar's aggregate classification.

Literature cited by the submitters: PubMed 1745350 (cited by OMIM); PubMed 10862084 (cited by OMIM).